The following is an entry in ClinVar:

NM_001369.3(DNAH5):c.11744T>C (p.Phe3915Ser)

Gene: DNAH5 (dynein axonemal heavy chain 5; minus strand). Cytogenetic location: 5p15.2.
Variant type: single nucleotide variant.
Coding change: c.11744T>C on transcript NM_001369.3 (MANE Select); coding-DNA position 11744, T replaced by C.
Protein change: p.Phe3915Ser; replaces phenylalanine 3915 with serine.
Molecular consequence: missense variant.
Genome position (GRCh38, 1-based): chr5:13,735,148, A>G on the plus strand (T>C on the coding strand, the complement: DNAH5 is on the minus strand). VCF-style: chr5-13735148-A-G. GRCh37 (hg19) VCF-style: chr5-13735257-A-G.
Other names: short protein forms F3915S.
Identifiers: ClinVar variation 2213454 (VCV002213454.4), dbSNP rs2546560741, ClinGen allele CA359222559.

ClinVar aggregate classification (germline): Uncertain significance. Review status: criteria provided, multiple submitters, no conflicts (2 of 4 stars). 3 submissions from 3 submitters: Uncertain significance (3). Last evaluated 2025-10-04.

Conditions:
Primary ciliary dyskinesia. Also called: Ciliary dyskinesia. Identifiers: Orphanet 244, MedGen C0008780, MONDO:0016575, HP:0012265.

Allele frequency attached by ClinVar (database versions not stated): gnomAD exomes below 0.00001.
gnomAD v4.1: 2 of 1,614,096 alleles (0.00012%); highest among the groups gnomAD compares: Non-Finnish European, 0.000085%; no homozygotes.

Submissions (3):

Labcorp Genetics (formerly Invitae), Labcorp
Classification: Uncertain significance for Primary ciliary dyskinesia. Last evaluated: 2025-10-04. Review status: criteria provided, single submitter. Criteria: Invitae Variant Classification Sherloc (09022015). Collection method: clinical testing. Allele origin: germline.
Comment: This sequence change replaces phenylalanine, which is neutral and non-polar, with serine, which is neutral and polar, at codon 3915 of the DNAH5 protein (p.Phe3915Ser). This variant is not present in population databases (gnomAD no frequency). This variant has not been reported in the literature in individuals affected with DNAH5-related conditions. ClinVar contains an entry for this variant (Variation ID: 2213454). Invitae Evidence Modeling of protein sequence and biophysical properties (such as structural, functional, and spatial information, amino acid conservation, physicochemical variation, residue mobility, and thermodynamic stability) has been performed for this missense variant. However, the output from this modeling did not meet the statistical confidence thresholds required to predict the impact of this variant on DNAH5 protein function. In summary, the available evidence is currently insufficient to determine the role of this variant in disease. Therefore, it has been classified as a Variant of Uncertain Significance.

Blueprint Genetics
Classification: Uncertain significance. Last evaluated: 2023-11-14. Review status: criteria provided, single submitter. Criteria: ACMG Guidelines, 2015. Collection method: clinical testing. Allele origin: germline.

Ambry Genetics
Classification: Uncertain significance for Primary ciliary dyskinesia. Last evaluated: 2022-04-12. Review status: criteria provided, single submitter. Criteria: Ambry Variant Classification Scheme 2023. Collection method: clinical testing. Allele origin: germline.